The following is an entry in ClinVar:

ClinVar aggregate classification (germline): Uncertain significance. Review status: criteria provided, multiple submitters, no conflicts (2 of 4 stars). 2 submissions from 2 submitters: Uncertain significance (2). Last evaluated 2024-05-22.

Conditions:
Cortical dysplasia-focal epilepsy syndrome (PTHSL1). Also called: Pitt-Hopkins-like syndrome 1. Identifiers: Orphanet 163681, Orphanet 221150, MedGen C2750246, MONDO:0012400, OMIM 610042.

Allele frequency attached by ClinVar (database versions not stated): gnomAD exomes below 0.00001; TOPMed 0.00001.
gnomAD v4.1: 6 of 1,614,140 alleles (0.00037%); highest among the groups gnomAD compares: Non-Finnish European, 0.00051%; no homozygotes.

Submissions (2):

Labcorp Genetics (formerly Invitae), Labcorp
Classification: Uncertain significance for Cortical dysplasia-focal epilepsy syndrome. Last evaluated: 2024-05-22. Review status: criteria provided, single submitter. Criteria: Invitae Variant Classification Sherloc (09022015). Collection method: clinical testing. Allele origin: germline.
Comment: This sequence change replaces proline, which is neutral and non-polar, with arginine, which is basic and polar, at codon 804 of the CNTNAP2 protein (p.Pro804Arg). This variant is present in population databases (rs796052376, gnomAD 0.0009%). This variant has not been reported in the literature in individuals affected with CNTNAP2-related conditions. ClinVar contains an entry for this variant (Variation ID: 205266). An algorithm developed to predict the effect of missense changes on protein structure and function (PolyPhen-2) suggests that this variant is likely to be tolerated. In summary, the available evidence is currently insufficient to determine the role of this variant in disease. Therefore, it has been classified as a Variant of Uncertain Significance.

GeneDx
Classification: Uncertain significance. Last evaluated: 2012-09-14. Review status: criteria provided, single submitter. Criteria: GeneDx Variant Classification (06012015). Collection method: clinical testing. Allele origin: germline. Affected: yes.
Comment: p.Pro804Arg (CCA>CGA):c.2411 C>G in exon 16 of the CNTNAP2 gene (NM_014141.4). The Pro804Arg missense change has not been published as a mutation, nor has it been reported as a benign polymorphism to our knowledge. The NHLBI ESP Exome Variant Project has not identified Pro804Arg in approximately 6,500 individuals of European or African American ethnicity, indicating that it is not a common benign variant in these populations. The amino acid substitution is non-conservative, as a uncharged, non-polar Proline residue is replaced by a positively charged Arginine residue, and the loss of a bulky Proline may alter the secondary structure of the CNTNAP2 protein. However, Pro804Arg alters a position in the third Laminin G-like domain of the protein that is not conserved across species. While one in silico model predicts it may be damaging to protein structure/function, other models predict it is likely not pathogenic. Therefore, based on the currently available information, it is unclear whether Pro804Arg is a disease-causing mutation or a rare benign variant. The variant is found in EPILEPSY panel(s).

NM_014141.6(CNTNAP2):c.2411C>G (p.Pro804Arg)

Gene: CNTNAP2 (contactin associated protein 2; plus strand). Cytogenetic location: 7q35.
Variant type: single nucleotide variant.
Coding change: c.2411C>G on transcript NM_014141.6 (MANE Select); coding-DNA position 2411, C replaced by G.
Protein change: p.Pro804Arg; replaces proline 804 with arginine.
Molecular consequence: missense variant.
Genome position (GRCh38, 1-based): chr7:148,118,145, C>G. VCF-style: chr7-148118145-C-G. GRCh37 (hg19) VCF-style: chr7-147815237-C-G.
Other names: p.P804R:CCA>CGA; short protein forms P804R.
Identifiers: ClinVar variation 205266 (VCV000205266.7), dbSNP rs796052376, ClinGen allele CA314166.